The following is an entry in ClinVar:

NM_005343.4(HRAS):c.473C>T (p.Thr158Met)

Genes: HRAS (HRas proto-oncogene, GTPase; minus strand), LRRC56 (leucine rich repeat containing 56; plus strand). Cytogenetic location: 11p15.5.
Variant type: single nucleotide variant.
Coding change: c.473C>T on transcript NM_005343.4 (MANE Select); coding-DNA position 473, C replaced by T.
Protein change: p.Thr158Met; replaces threonine 158 with methionine.
Molecular consequence: missense variant. On other transcripts: 3 prime UTR variant (1).
Genome position (GRCh38, 1-based): chr11:532,733, G>A on the plus strand (C>T on the coding strand, the complement: HRAS is on the minus strand). VCF-style: chr11-532733-G-A. GRCh37 (hg19) VCF-style: chr11-532733-G-A.
Other names: c.473C>T, p.Thr158Met (NM_001130442.3); c.236C>T, p.Thr79Met (NM_001318054.2); c.*42C>T (NM_176795.5); short protein forms T158M, T79M.
Identifiers: ClinVar variation 134514 (VCV000134514.11), dbSNP rs587778400, ClinGen allele CA160026.
Genomic context (GRCh38, chr11:532,733, plus strand): 5'-CCACTCTCATCAGGAGGGTTCAGCTTCCGCAGCTTGTGCTGCCGGATCTCACGCACCAAC[G>A]TGTAGAAGGCATCCTCCACTCCCTGGGAAAGGAGGGATGGGATCAGGAGGGACCGGCCTG-3'
Protein context (NP_005334.1, residues 148-168): TRQGVEDAFY[Thr158Met]LVREIRQHKL

ClinVar aggregate classification (germline): Uncertain significance. Review status: criteria provided, multiple submitters, no conflicts (2 of 4 stars). 3 submissions from 3 submitters: Uncertain significance (2). 1 of the submissions does not count toward it. Last evaluated 2024-04-29.

Conditions:
Costello syndrome (CSTLO). Also called: FCS SYNDROME; HRAS-Related Costello Syndrome; FACIOCUTANEOSKELETAL SYNDROME. Identifiers: Orphanet 3071, MedGen C0587248, MONDO:0009026, OMIM 218040.

Allele frequency attached by ClinVar (database versions not stated): gnomAD exomes below 0.00001.
gnomAD v4.1: 5 of 1,613,008 alleles (0.00031%); highest among the groups gnomAD compares: Admixed American, 0.0017%; no homozygotes.

Submissions (3):

Labcorp Genetics (formerly Invitae), Labcorp
Classification: Uncertain significance for Costello syndrome. Last evaluated: 2024-04-29. Review status: criteria provided, single submitter. Criteria: Invitae Variant Classification Sherloc (09022015). Collection method: clinical testing. Allele origin: germline.
Comment: This sequence change replaces threonine, which is neutral and polar, with methionine, which is neutral and non-polar, at codon 158 of the HRAS protein (p.Thr158Met). The frequency data for this variant in the population databases is considered unreliable, as metrics indicate poor data quality at this position in the gnomAD database. This variant has not been reported in the literature in individuals affected with HRAS-related conditions. ClinVar contains an entry for this variant (Variation ID: 134514). Advanced modeling of protein sequence and biophysical properties (such as structural, functional, and spatial information, amino acid conservation, physicochemical variation, residue mobility, and thermodynamic stability) performed at Invitae indicates that this missense variant is not expected to disrupt HRAS protein function with a negative predictive value of 95%. In summary, the available evidence is currently insufficient to determine the role of this variant in disease. Therefore, it has been classified as a Variant of Uncertain Significance.

Clinical Genetics Laboratory, Skane University Hospital Lund
Classification: Uncertain significance. Last evaluated: 2022-10-20. Review status: criteria provided, single submitter. Criteria: ACMG Guidelines, 2015. Collection method: clinical testing. Allele origin: germline. Affected: yes.

ITMI
No classification provided. Condition: AllHighlyPenetrant. Last evaluated: 2013-09-19. Review status: no classification provided. Collection method: reference population. Allele origin: germline. Not counted in ClinVar's aggregate classification.
Comment: Please see associated publication for description of ethnicities

Literature cited by the submitters: PubMed 24728327 (cited by ITMI).